The following is an entry in ClinVar:

NM_005591.4(MRE11):c.1476C>T (p.Ala492=)

Gene: MRE11 (MRE11 double strand break repair nuclease; minus strand). Cytogenetic location: 11q21.
Variant type: single nucleotide variant.
Coding change: c.1476C>T on transcript NM_005591.4 (MANE Select); coding-DNA position 1476, C replaced by T.
Protein change: p.Ala492=; no amino-acid change (alanine 492 retained).
Molecular consequence: synonymous variant.
Genome position (GRCh38, 1-based): chr11:94,459,432, G>A on the plus strand (C>T on the coding strand, the complement: MRE11 is on the minus strand). VCF-style: chr11-94459432-G-A. GRCh37 (hg19) VCF-style: chr11-94192598-G-A.
Other names: c.1476C>T, p.Ala492= (NM_001330347.2, NM_005590.4).
Identifiers: ClinVar variation 185720 (VCV000185720.39), dbSNP rs370397034, ClinGen allele CA192719.
Genomic context (GRCh38, chr11:94,459,432, plus strand): 5'-TTTAAATAGACCTAGACACTCAAATTAGTTACTTACCTCCTCATCGATTTTGTCTTCGAG[G>A]GCATCAATATGACGTTCTTTAAGAAATCGCTGTGTTTTTTCCAACTGGTATTTCACTAAT-3'
Protein context (NP_005582.1, residues 482-502): QRFLKERHID[Ala492=]LEDKIDEEVR

ClinVar aggregate classification (germline): Likely benign. Review status: criteria provided, multiple submitters, no conflicts (2 of 4 stars). 4 submissions from 4 submitters: Likely benign (4). Last evaluated 2024-01-04.

Conditions:
Ataxia-telangiectasia-like disorder (ATLD). Identifiers: MedGen C1858391, MONDO:0011457.
Hereditary cancer-predisposing syndrome. Also called: Tumor predisposition; Neoplastic Syndromes, Hereditary; Hereditary Cancer Syndrome; Hereditary neoplastic syndrome. Identifiers: Orphanet 140162, MedGen C0027672, MeSH D009386, MONDO:0015356.

Allele frequency attached by ClinVar (database versions not stated): TOPMed below 0.00001; gnomAD 0.00001; gnomAD exomes 0.00001; ExAC 0.00002; ESP Exome Variant Server 0.00008.
gnomAD v4.1: 13 of 1,613,718 alleles (0.00081%); highest among the groups gnomAD compares: Admixed American, 0.0017%; no homozygotes.

Submissions (4):

Labcorp Genetics (formerly Invitae), Labcorp
Classification: Likely benign for Ataxia-telangiectasia-like disorder. Last evaluated: 2024-01-04. Review status: criteria provided, single submitter. Criteria: Invitae Variant Classification Sherloc (09022015). Collection method: clinical testing. Allele origin: germline.

CeGaT Center for Human Genetics Tuebingen
Classification: Likely benign. Last evaluated: 2023-01-01. Review status: criteria provided, single submitter. Criteria: CeGaT Center For Human Genetics Tuebingen Variant Classification Criteria Version 2. Collection method: clinical testing. Allele origin: germline. Affected: yes. Observed: 2 variant alleles.
Comment: MRE11: BP4, BP7

Women's Health and Genetics/Laboratory Corporation of America, LabCorp
Classification: Likely benign. Last evaluated: 2019-06-20. Review status: criteria provided, single submitter. Criteria: LabCorp Variant Classification Summary - May 2015. Collection method: clinical testing. Allele origin: germline.

Ambry Genetics
Classification: Likely benign for Hereditary cancer-predisposing syndrome. Last evaluated: 2014-07-29. Review status: criteria provided, single submitter. Criteria: Ambry Variant Classification Scheme 2023. Collection method: clinical testing. Allele origin: germline.